The following is an entry in ClinVar:

ClinVar aggregate classification (germline): Conflicting classifications of pathogenicity. Review status: criteria provided, conflicting classifications (1 of 4 stars). 2 submissions from 2 submitters: Likely pathogenic (1); Uncertain significance (1). Last evaluated 2025-05-21.

Conditions:
Infantile liver failure syndrome 1 (ILFS1). Identifiers: Orphanet 370088, MedGen C3809522, MONDO:0024568, OMIM 615438.

Allele frequency attached by ClinVar (database versions not stated): gnomAD exomes below 0.00001 and 0.00001; TOPMed 0.00002.
gnomAD v4.1: 21 of 1,613,996 alleles (0.0013%); highest among the groups gnomAD compares: Non-Finnish European, 0.0018%; no homozygotes.

Submissions (2):

Ambry Genetics
Classification: Uncertain significance. Last evaluated: 2025-05-21. Review status: criteria provided, single submitter. Criteria: Ambry Variant Classification Scheme 2023. Collection method: clinical testing. Allele origin: germline.

Victorian Clinical Genetics Services, Murdoch Childrens Research Institute
Classification: Likely pathogenic for Infantile liver failure syndrome 1. Last evaluated: 2022-06-24. Review status: criteria provided, single submitter. Criteria: ACMG Guidelines, 2015. Collection method: clinical testing. Allele origin: germline. Inheritance: Autosomal recessive inheritance. Affected: yes.
Comment: Based on the classification scheme VCGS_Germline_v1.3.4, this variant is classified as Likely pathogenic. Following criteria are met: 0102 - Loss of function is a known mechanism of disease in this gene and is associated with infantile liver failure syndrome 1 (MIM#615438). (I) 0106 - This gene is associated with autosomal recessive disease. (I) 0200 - Variant is predicted to result in a missense amino acid change from proline to leucine. (I) 0251 - This variant is heterozygous. (I) 0304 - Variant is present in gnomAD (v2) <0.01 for a recessive condition (1 heterozygote, 0 homozygotes). (SP) 0502 - Missense variant with conflicting in silico predictions and uninformative conservation. (I) 0604 - Variant is not located in an established domain, motif, hotspot or informative constraint region. (I) 0705 - No comparable missense variants have previous evidence for pathogenicity. (I) 0807 - This variant has no previous evidence of pathogenicity. (I) 0905 - No published segregation evidence has been identified for this variant. (I) 1007 - No published functional evidence has been identified for this variant. (I) 1101 - Very strong and specific phenotype match for this individual. (SP) 1201 - Heterozygous variant detected in trans with a second pathogenic heterozygous variant (c.1292T>A;p.Val431Asp) in a recessive disease. (I) Legend: (SP) - Supporting pathogenic, (I) - Information, (SB) - Supporting benign

NM_020117.11(LARS1):c.554C>T (p.Pro185Leu)

Gene: LARS1 (leucyl-tRNA synthetase 1; minus strand). Cytogenetic location: 5q32.
Variant type: single nucleotide variant.
Coding change: c.554C>T on transcript NM_020117.11 (MANE Select); coding-DNA position 554, C replaced by T.
Protein change: p.Pro185Leu; replaces proline 185 with leucine.
Molecular consequence: missense variant.
Genome position (GRCh38, 1-based): chr5:146,164,350, G>A on the plus strand (C>T on the coding strand, the complement: LARS1 is on the minus strand). VCF-style: chr5-146164350-G-A. GRCh37 (hg19) VCF-style: chr5-145543913-G-A.
Other names: c.416C>T, p.Pro139Leu (NM_001317964.2); c.392C>T, p.Pro131Leu (NM_001317965.2); c.473C>T, p.Pro158Leu (NM_016460.4); c.554C>T (NM_020117.9); short protein forms P131L, P139L, P158L, P185L.
Identifiers: ClinVar variation 1699493 (VCV001699493.4), dbSNP rs1363237554, ClinGen allele CA361614702.